The following is an entry in ClinVar:

NM_002335.4(LRP5):c.4278T>C (p.Tyr1426=)

Gene: LRP5 (LDL receptor related protein 5; plus strand). Cytogenetic location: 11q13.2.
Variant type: single nucleotide variant.
Coding change: c.4278T>C on transcript NM_002335.4 (MANE Select); coding-DNA position 4278, T replaced by C.
Protein change: p.Tyr1426=; no amino-acid change (tyrosine 1426 retained).
Molecular consequence: synonymous variant.
Genome position (GRCh38, 1-based): chr11:68,438,612, T>C. VCF-style: chr11-68438612-T-C. GRCh37 (hg19) VCF-style: chr11-68206080-T-C.
Other names: p.Tyr1426=; c.2535T>C, p.Tyr845= (NM_001291902.2).
Identifiers: ClinVar variation 195485 (VCV000195485.30), dbSNP rs142328132, ClinGen allele CA201782.

ClinVar aggregate classification (germline): Benign/Likely benign. Review status: criteria provided, multiple submitters, no conflicts (2 of 4 stars). 9 submissions from 9 submitters: Benign (1); Likely benign (8). Last evaluated 2026-01-18.

Conditions:
Autosomal dominant osteopetrosis 1 (OPTA1). Also called: OSTEOPETROSIS, AUTOSOMAL DOMINANT, TYPE I. Identifiers: Orphanet 2783, MedGen C1843330, MONDO:0011877, OMIM 607634.
Osteoporosis. Identifiers: MedGen C0029456, MONDO:0005298, OMIM 166710, HP:0000939.
Polycystic liver disease 4 with or without kidney cysts. Identifiers: MedGen C4693479, MONDO:0044327, OMIM 617875.
Osteoporosis with pseudoglioma (OPPG). Also called: osteoporosis-pseudoglioma syndrome. Identifiers: Orphanet 2788, MedGen C0432252, MONDO:0009820, OMIM 259770.
Bone mineral density quantitative trait locus 1 (BMND1). Identifiers: MedGen C1866079, OMIM 601884.
Exudative vitreoretinopathy 1 (EVR1). Also called: CRISWICK-SCHEPENS SYNDROME; FEVR, AUTOSOMAL DOMINANT; Familial exudative vitreoretinopathy, autosomal dominant. Identifiers: Orphanet 891, Orphanet 90050, MedGen C1851402, MONDO:0007589, OMIM 133780.
Exudative vitreoretinopathy 4 (EVR4). Identifiers: Orphanet 891, MedGen C1866176, MONDO:0011151, OMIM 601813.
Worth disease. Also called: ENDOSTEAL HYPEROSTOSIS, AUTOSOMAL DOMINANT; OSTEOSCLEROSIS, AUTOSOMAL DOMINANT; Autosomal dominant osteosclerosis, Worth type. Identifiers: Orphanet 2790, MedGen C0432273, MONDO:0007764, OMIM 144750.

Allele frequency attached by ClinVar (database versions not stated): gnomAD exomes 0.00022 and 0.00055; ExAC 0.00078; ESP Exome Variant Server 0.00231; gnomAD 0.00233 and 0.00250; TOPMed 0.00281; 1000 Genomes Project 0.00319; 1000 Genomes Project 30x 0.00344.
gnomAD v4.1: 687 of 1,613,864 alleles (0.043%); highest among the groups gnomAD compares: African/African-American, 0.82%; 2 homozygotes.

Submissions (9):

Labcorp Genetics (formerly Invitae), Labcorp
Classification: Benign. Last evaluated: 2026-01-18. Review status: criteria provided, single submitter. Criteria: Invitae Variant Classification Sherloc (09022015). Collection method: clinical testing. Allele origin: germline.

Mayo Clinic Laboratories, Mayo Clinic
Classification: Likely benign. Last evaluated: 2025-08-12. Review status: criteria provided, single submitter. Criteria: ACMG Guidelines, 2015. Collection method: clinical testing. Allele origin: germline. Observed: 1 variant allele.
Comment: BS1, BP4, BP7

CeGaT Center for Human Genetics Tuebingen
Classification: Likely benign. Last evaluated: 2025-03-01. Review status: criteria provided, single submitter. Criteria: CeGaT Center For Human Genetics Tuebingen Variant Classification Criteria Version 2. Collection method: clinical testing. Allele origin: germline. Affected: yes. Observed: 1 variant allele.
Comment: LRP5: BP4, BP7

Blueprint Genetics
Classification: Likely benign. Last evaluated: 2024-09-02. Review status: criteria provided, single submitter. Criteria: ACMG Guidelines, 2015. Collection method: clinical testing. Allele origin: germline.

ARUP Laboratories, Molecular Genetics and Genomics, ARUP Laboratories
Classification: Likely benign. Last evaluated: 2024-06-10. Review status: criteria provided, single submitter. Criteria: ARUP Molecular Germline Variant Investigation Process 2024. Collection method: clinical testing. Allele origin: germline.

Fulgent Genetics
Classification: Likely benign for Exudative vitreoretinopathy 1; Worth disease; Osteoporosis; Osteoporosis with pseudoglioma; Exudative vitreoretinopathy 4; Bone mineral density quantitative trait locus 1; Autosomal dominant osteopetrosis 1; Polycystic liver disease 4 with or without kidney cysts. Last evaluated: 2022-04-11. Review status: criteria provided, single submitter. Criteria: ACMG Guidelines, 2015. Collection method: clinical testing. Allele origin: unknown.

Eurofins Ntd Llc (ga)
Classification: Likely benign. Last evaluated: 2014-06-20. Review status: criteria provided, single submitter. Criteria: EGL Classification Definitions 2015. Collection method: clinical testing. Allele origin: germline. Observed: 1 variant allele, 1 heterozygote.

Breakthrough Genomics
Classification: Likely benign. Review status: criteria provided, single submitter. Criteria: ACMG Guidelines, 2015. Collection method: not provided. Allele origin: germline. Inheritance: Autosomal recessive inheritance. Affected: yes.

PreventionGenetics, part of Exact Sciences
Classification: Likely benign. Review status: criteria provided, single submitter. Criteria: ACMG Guidelines, 2015. Collection method: clinical testing. Allele origin: germline.